The following is an entry in ClinVar:

NM_018136.5(ASPM):c.1980C>T (p.Ile660=)

Gene: ASPM (assembly factor for spindle microtubules; minus strand). Cytogenetic location: 1q31.3.
Variant type: single nucleotide variant.
Coding change: c.1980C>T on transcript NM_018136.5 (MANE Select); coding-DNA position 1980, C replaced by T.
Protein change: p.Ile660=; no amino-acid change (isoleucine 660 retained).
Molecular consequence: synonymous variant.
Genome position (GRCh38, 1-based): chr1:197,139,813, G>A on the plus strand (C>T on the coding strand, the complement: ASPM is on the minus strand). VCF-style: chr1-197139813-G-A. GRCh37 (hg19) VCF-style: chr1-197108943-G-A.
Other names: c.1980C>T, p.Ile660= (NM_001206846.2).
Identifiers: ClinVar variation 284602 (VCV000284602.13), dbSNP rs151087446, ClinGen allele CA1310601.

ClinVar aggregate classification (germline): Conflicting classifications of pathogenicity. Review status: criteria provided, conflicting classifications (1 of 4 stars). 3 submissions from 3 submitters: Uncertain significance (1); Likely benign (2). Last evaluated 2026-08-01.

Allele frequency attached by ClinVar (database versions not stated): gnomAD 0.00014 and 0.00016; TOPMed 0.00015; ESP Exome Variant Server 0.00023.
gnomAD v4.1: 83 of 1,612,236 alleles (0.0051%); highest among the groups gnomAD compares: African/African-American, 0.067%; no homozygotes.

Submissions (3):

CeGaT Center for Human Genetics Tuebingen
Classification: Likely benign. Last evaluated: 2026-08-01. Review status: criteria provided, single submitter. Criteria: CeGaT Center For Human Genetics Tuebingen Variant Classification Criteria Version 2. Collection method: clinical testing. Allele origin: germline. Affected: yes. Observed: 1 variant allele.
Comment: ASPM: BP4, BP7

Labcorp Genetics (formerly Invitae), Labcorp
Classification: Likely benign. Last evaluated: 2025-07-30. Review status: criteria provided, single submitter. Criteria: Invitae Variant Classification Sherloc (09022015). Collection method: clinical testing. Allele origin: germline.

Eurofins Ntd Llc (ga)
Classification: Uncertain significance. Last evaluated: 2018-01-12. Review status: criteria provided, single submitter. Criteria: EGL Classification Definitions 2015. Collection method: clinical testing. Allele origin: germline. Observed: 1 variant allele, 1 heterozygote.